The following is an entry in ClinVar:

ClinVar aggregate classification (germline): Uncertain significance. Review status: criteria provided, multiple submitters, no conflicts (2 of 4 stars). 3 submissions from 3 submitters: Uncertain significance (3). Last evaluated 2026-09-08.

Conditions:
RPGRIP1L-related disorder. Also called: RPGRIP1L-related disorders; RPGRIP1L-related condition. Identifiers: MedGen CN239416.
COACH syndrome 3. Identifiers: MedGen C5436841, MONDO:0030862, OMIM 619113.
Meckel syndrome, type 5 (MKS5). Identifiers: Orphanet 564, MedGen C1969052, MONDO:0012695, OMIM 611561.
Joubert syndrome 7 (JBTS7). Identifiers: Orphanet 220497, MedGen C1969053, MONDO:0012694, OMIM 611560.
Meckel-Gruber syndrome. Also called: DYSENCEPHALIA SPLANCHNOCYSTICA; GRUBER SYNDROME; Dysencephalia splachnocystica. Identifiers: Orphanet 564, MedGen C0265215, MONDO:0018921.
Joubert syndrome. Also called: JOUBERT-BOLTSHAUSER SYNDROME; Familial aplasia of the vermis. Identifiers: Orphanet 475, MedGen C5979921, MONDO:0018772.

gnomAD v4.1: 26 of 645,228 alleles (0.004%); highest among the groups gnomAD compares: Non-Finnish European, 0.006%; 1 homozygote.

Submissions (3):

PreventionGenetics, part of Exact Sciences
Classification: Uncertain significance for RPGRIP1L-related condition. Last evaluated: 2026-09-08. Review status: criteria provided, single submitter. Criteria: ACMG Guidelines, 2015. Collection method: clinical testing. Allele origin: germline.
Comment: The RPGRIP1L c.3332C>T variant is predicted to result in the amino acid substitution p.Ala1111Val. To our knowledge, this variant has not been reported in the literature. This variant is reported in 0.020% of alleles in individuals of European (Finnish) descent in gnomAD. At this time, the clinical significance of this variant is uncertain due to the absence of conclusive functional and genetic evidence.

Fulgent Genetics
Classification: Uncertain significance for Joubert syndrome 7; Meckel syndrome, type 5; COACH syndrome 3. Last evaluated: 2024-04-08. Review status: criteria provided, single submitter. Criteria: ACMG Guidelines, 2015. Collection method: clinical testing. Allele origin: germline.

Labcorp Genetics (formerly Invitae), Labcorp
Classification: Uncertain significance for Joubert syndrome; Meckel-Gruber syndrome. Last evaluated: 2022-07-30. Review status: criteria provided, single submitter. Criteria: Invitae Variant Classification Sherloc (09022015). Collection method: clinical testing. Allele origin: germline.
Comment: This sequence change replaces alanine, which is neutral and non-polar, with valine, which is neutral and non-polar, at codon 1111 of the RPGRIP1L protein (p.Ala1111Val). This variant is present in population databases (no rsID available, gnomAD 0.02%). This variant has not been reported in the literature in individuals affected with RPGRIP1L-related conditions. Algorithms developed to predict the effect of missense changes on protein structure and function (SIFT, PolyPhen-2, Align-GVGD) all suggest that this variant is likely to be tolerated. In summary, the available evidence is currently insufficient to determine the role of this variant in disease. Therefore, it has been classified as a Variant of Uncertain Significance.

NM_015272.5(RPGRIP1L):c.3332C>T (p.Ala1111Val)

Gene: RPGRIP1L (RPGRIP1 like; minus strand). Cytogenetic location: 16q12.2.
Variant type: single nucleotide variant.
Coding change: c.3332C>T on transcript NM_015272.5 (MANE Select); coding-DNA position 3332, C replaced by T.
Protein change: p.Ala1111Val; replaces alanine 1111 with valine.
Molecular consequence: missense variant. On other transcripts: intron variant (2).
Genome position (GRCh38, 1-based): chr16:53,622,319, G>A on the plus strand (C>T on the coding strand, the complement: RPGRIP1L is on the minus strand). VCF-style: chr16-53622319-G-A. GRCh37 (hg19) VCF-style: chr16-53656231-G-A.
Other names: c.3332C>T (NM_015272.4); c.3230C>T, p.Ala1077Val (NM_001330538.2); c.3193-3111C>T (NM_001127897.4); c.3295-3111C>T (NM_001308334.3); short protein forms A1077V, A1111V.
Identifiers: ClinVar variation 2192261 (VCV002192261.3), dbSNP rs963424967, ClinGen allele CA281358348.
Genomic context (GRCh38, chr16:53,622,319, plus strand): 5'-GAGGCTGAGGCAGGAAAATCGCTGGAACCCGGGAGGCGGAAGTTGCAGTGAGCTGAGATC[G>A]CGCTACTGCACCCCAGCCCGGGAGACAATGCGAGACTCTGTCTCAAAAAAAAAAAAAAAA-3'
Protein context (NP_056087.2, residues 1101-1121): ALSPGLGCSS[Ala1111Val]ISAHCNFRLP